The following is an entry in ClinVar:

ClinVar aggregate classification (germline): Pathogenic (1 of 4 stars; one submission).

Conditions:
Retinitis pigmentosa 12 (RP12). Also called: RP WITH OR WITHOUT PRESERVED PARAARTERIOLE RETINAL PIGMENT EPITHELIUM; RETINITIS PIGMENTOSA WITH OR WITHOUT PARAARTERIOLAR PRESERVATION OF RETINAL PIGMENT EPITHELIUM; RP WITH OR WITHOUT PPRPE. Identifiers: Orphanet 791, MedGen C1838647, MONDO:0010818, OMIM 600105.
Leber congenital amaurosis 8 (LCA8). Identifiers: Orphanet 65, MedGen C3151202, MONDO:0013453, OMIM 613835.

Submission:

Labcorp Genetics (formerly Invitae), Labcorp
Classification: Pathogenic for Leber congenital amaurosis 8; Retinitis pigmentosa 12. Last evaluated: 2024-11-05. Review status: criteria provided, single submitter. Criteria: Invitae Variant Classification Sherloc (09022015). Collection method: clinical testing. Allele origin: germline.
Comment: This sequence change creates a premature translational stop signal (p.Lys1263*) in the CRB1 gene. It is expected to result in an absent or disrupted protein product. Loss-of-function variants in CRB1 are known to be pathogenic (PMID: 10508521, 22065545, 23379534, 25412400, 26957898, 28041643, 29391521). This variant is not present in population databases (gnomAD no frequency). This variant has not been reported in the literature in individuals affected with CRB1-related conditions. ClinVar contains an entry for this variant (Variation ID: 1394462). Algorithms developed to predict the effect of sequence changes on RNA splicing suggest that this variant may disrupt the consensus splice site. For these reasons, this variant has been classified as Pathogenic.

Literature cited by the submitters: PubMed 10508521; PubMed 22065545; PubMed 23379534; PubMed 25412400; PubMed 26957898; PubMed 28041643; PubMed 29391521.

NM_201253.3(CRB1):c.3787A>T (p.Lys1263Ter)

Gene: CRB1 (crumbs cell polarity complex component 1; plus strand). Cytogenetic location: 1q31.3.
Variant type: single nucleotide variant.
Coding change: c.3787A>T on transcript NM_201253.3 (MANE Select); coding-DNA position 3787, A replaced by T.
Protein change: p.Lys1263Ter; replaces lysine 1263 with a stop codon.
Molecular consequence: nonsense. On other transcripts: non-coding transcript variant (2).
Genome position (GRCh38, 1-based): chr1:197,438,584, A>T. VCF-style: chr1-197438584-A-T. GRCh37 (hg19) VCF-style: chr1-197407714-A-T.
Other names: c.3451A>T, p.Lys1151Ter (NM_001193640.2); c.3715A>T, p.Lys1239Ter (NM_001257965.2); c.2179A>T, p.Lys727Ter (NM_001257966.2); short protein forms K1151*, K727*, K1263*, K1239*.
Identifiers: ClinVar variation 1394462 (VCV001394462.6), dbSNP rs2125506218, ClinGen allele CA344050814.